The following is an entry in ClinVar:

ClinVar aggregate classification (germline): Uncertain significance (1 of 4 stars; one submission).

Conditions:
Frontotemporal dementia (FTD1). Also called: FRONTOTEMPORAL DEMENTIA WITH PARKINSONISM; FRONTOTEMPORAL LOBE DEMENTIA; Dementia, frontotemporal, with or without parkinsonism; MULTIPLE SYSTEM TAUOPATHY WITH PRESENILE DEMENTIA; FRONTOTEMPORAL LOBAR DEGENERATION WITH TAU INCLUSIONS; FTLD WITH TAU INCLUSIONS. Identifiers: Orphanet 282, MedGen C0338451, MONDO:0017276, OMIM 600274, HP:0002145.

Allele frequency attached by ClinVar (database versions not stated): gnomAD exomes below 0.00001.
gnomAD v4.1: 1 of 1,609,694 alleles (0.000062%); highest among the groups gnomAD compares: Non-Finnish European, 0.000085%; no homozygotes.

Submission:

Labcorp Genetics (formerly Invitae), Labcorp
Classification: Uncertain significance for Frontotemporal dementia. Last evaluated: 2023-12-24. Review status: criteria provided, single submitter. Criteria: Invitae Variant Classification Sherloc (09022015). Collection method: clinical testing. Allele origin: germline.
Comment: This sequence change falls in intron 10 of the MAPT gene. It does not directly change the encoded amino acid sequence of the MAPT protein. It affects a nucleotide within the consensus splice site. This variant is not present in population databases (gnomAD no frequency). This variant has not been reported in the literature in individuals affected with MAPT-related conditions. Variants that disrupt the consensus splice site are a relatively common cause of aberrant splicing (PMID: 17576681, 9536098). Algorithms developed to predict the effect of sequence changes on RNA splicing suggest that this variant is not likely to affect RNA splicing. In summary, the available evidence is currently insufficient to determine the role of this variant in disease. Therefore, it has been classified as a Variant of Uncertain Significance.

Literature cited by the submitters: PubMed 17576681; PubMed 9536098.

NM_001377265.1(MAPT):c.2173+4G>A

Gene: MAPT (microtubule associated protein tau). Cytogenetic location: 17q21.31.
Variant type: single nucleotide variant.
Coding change: c.2173+4G>A on transcript NM_001377265.1 (MANE Select); 4 bases into the intron after coding-DNA position 2173, G replaced by A.
Molecular consequence: intron variant.
Genome position (GRCh38, 1-based): chr17:46,014,328, G>A. VCF-style: chr17-46014328-G-A. GRCh37 (hg19) VCF-style: chr17-44091694-G-A.
Other names: c.730+4G>A (NM_001377268.1, NM_016841.5); c.2002+4G>A (NM_001123066.4); c.1948+4G>A (NM_016835.5); c.997+4G>A (NM_005910.6); c.904+4G>A (NM_001203252.2); c.1882+4G>A (NM_001377266.1); c.910+4G>A (NM_001123067.4); c.817+4G>A (NM_001203251.2); and 2 more.
Identifiers: ClinVar variation 2990993 (VCV002990993.3), dbSNP rs2076012501, ClinGen allele CA2262102730.
Genomic context (GRCh38, chr17:46,014,328, plus strand): 5'-ACCTGAGCAAGGTGACCTCCAAGTGTGGCTCATTAGGCAACATCCATCATAAACCAGGTA[G>A]CCCTGTGGAAGGTGAGGGTTGGGACGGGAGGGTGCAGGGGGTGGAGGAGTCCTGGTGAGG-3'